The following continues an entry in ClinVar:

NM_004004.6(GJB2):c.583A>G (p.Met195Val)

Gene: GJB2. ClinVar aggregate classification (germline): Pathogenic. Pathogenic (1).

Submissions 6 to 16 of 16:

Labcorp Genetics (formerly Invitae), Labcorp
Classification: Pathogenic. Last evaluated: 2024-02-07. Review status: criteria provided, single submitter. Criteria: Invitae Variant Classification Sherloc (09022015). Collection method: clinical testing. Allele origin: germline. Not counted in ClinVar's aggregate classification.
Comment: This sequence change replaces methionine, which is neutral and non-polar, with valine, which is neutral and non-polar, at codon 195 of the GJB2 protein (p.Met195Val). This variant is present in population databases (rs532203068, gnomAD 0.02%). This missense change has been observed in individuals with autosomal recessive GJB2-related conditions (PMID: 20497192, 24013081, 30146550, 33597575). This variant has been reported in individual(s) with autosomal dominant GJB2-related conditions (PMID: 19125024, 19366456, 21366436, 23555729); however, the role of the variant in this condition is currently unclear. ClinVar contains an entry for this variant (Variation ID: 225375). Advanced modeling of protein sequence and biophysical properties (such as structural, functional, and spatial information, amino acid conservation, physicochemical variation, residue mobility, and thermodynamic stability) performed at Invitae indicates that this missense variant is expected to disrupt GJB2 protein function with a positive predictive value of 95%. Experimental studies have shown that this missense change affects GJB2 function (PMID: 26749107). This variant disrupts the p.Met195 amino acid residue in GJB2. Other variant(s) that disrupt this residue have been determined to be pathogenic (Invitae). This suggests that this residue is clinically significant, and that variants that disrupt this residue are likely to be disease-causing. For these reasons, this variant has been classified as Pathogenic.

Revvity Omics, Revvity
Classification: Likely pathogenic. Last evaluated: 2024-01-30. Review status: criteria provided, single submitter. Criteria: ACMG Guidelines, 2015. Collection method: clinical testing. Allele origin: germline. Not counted in ClinVar's aggregate classification.

Integrating Genomics into Medicine, Frazer Institute, University Of Queensland
Classification: Likely pathogenic for Autosomal recessive nonsyndromic hearing loss 1A. Last evaluated: 2023-06-02. Review status: criteria provided, single submitter. Criteria: ACMG Guidelines, 2015. Collection method: clinical testing. Allele origin: germline. Affected: yes. Not counted in ClinVar's aggregate classification.

3billion
Classification: Pathogenic for Autosomal dominant nonsyndromic hearing loss 3A. Last evaluated: 2022-09-01. Review status: criteria provided, single submitter. Criteria: ACMG Guidelines, 2015. Collection method: clinical testing. Allele origin: germline. Affected: yes. Observed: 1 heterozygote. Not counted in ClinVar's aggregate classification.
Comment: The variant is observed at an allele frequency greater than expected for the associated disorder in the gnomAD v2.1.1 dataset. Missense changes are a common disease-causing mechanism. Functional studies provide strong evidence of the variant having a damaging effect on the gene or gene product (PMID: 26749107). In silico tool predictions suggest damaging effect of the variant on gene or gene product (REVEL: 0.96; 3Cnet: 0.99). Same nucleotide change resulting in same amino acid change has been previously reported as pathogenic/likely pathogenic with strong evidence (ClinVar ID: VCV000225375). The variant has been observed in at least four similarly affected unrelated individuals (PMID: 19125024, 19366456, 21366436, 23555729). A different missense change at the same codon (p.Met195Ile) has been reported as pathogenic/likely pathogenic with strong evidence (ClinVar ID: VCV000438621 , VCV001334161 , VCV001479826). The variant is in trans with the other pathogenic variants (PMID: 19125024,24507663,30146550). Therefore, this variant is classified as Pathogenic according to the recommendation of ACMG/AMP guideline.

Blueprint Genetics
Classification: Pathogenic for GJB2-related disorders. Last evaluated: 2022-02-04. Review status: criteria provided, single submitter. Criteria: ACMG Guidelines, 2015. Collection method: clinical testing. Allele origin: germline. Affected: yes. Observed: 2 variant alleles. Not counted in ClinVar's aggregate classification.

Fulgent Genetics
Classification: Likely pathogenic for Mutilating keratoderma; Autosomal dominant keratitis-ichthyosis-hearing loss syndrome; Palmoplantar keratoderma-deafness syndrome; Knuckle pads, deafness AND leukonychia syndrome; Autosomal recessive nonsyndromic hearing loss 1A; X-linked mixed hearing loss with perilymphatic gusher; Autosomal dominant nonsyndromic hearing loss 3A. Last evaluated: 2021-10-22. Review status: criteria provided, single submitter. Criteria: ACMG Guidelines, 2015. Collection method: clinical testing. Allele origin: unknown. Not counted in ClinVar's aggregate classification.

Genomic Diagnostic Laboratory, Division of Genomic Diagnostics, Children's Hospital of Philadelphia
Classification: Likely pathogenic for Deafness, autosomal recessive 1A. Last evaluated: 2017-05-09. Review status: criteria provided, single submitter. Criteria: DGD Variant Analysis Guidelines. Collection method: clinical testing. Allele origin: germline. Affected: yes. Observed: 1 variant allele. Not counted in ClinVar's aggregate classification.

Soonchunhyang University Bucheon Hospital, Soonchunhyang University Medical Center
Classification: Uncertain significance for Autosomal dominant nonsyndromic hearing loss 3A; Autosomal recessive nonsyndromic hearing loss 1A. Last evaluated: 2016-03-18. Review status: criteria provided, single submitter. Criteria: ACMG Guidelines, 2015. Collection method: reference population. Allele origin: germline. Observed: 1 variant allele. Not counted in ClinVar's aggregate classification.

Juno Genomics, Hangzhou Juno Genomics, Inc
Classification: Pathogenic for Autosomal recessive nonsyndromic hearing loss 1A. Review status: criteria provided, single submitter. Criteria: ACMG Guidelines, 2015. Collection method: clinical testing. Allele origin: germline. Not counted in ClinVar's aggregate classification.
Comment: Well-established in vitro or in vivo functional studies supportive of a damaging effect on the gene or gene product.;For recessive disorders, detected in trans with a pathogenic variant.

PreventionGenetics, part of Exact Sciences
Classification: Likely pathogenic for GJB2-related condition. Last evaluated: 2024-06-01. Review status: no assertion criteria provided. Collection method: clinical testing. Allele origin: germline. Not counted in ClinVar's aggregate classification.
Comment: The GJB2 c.583A>G variant is predicted to result in the amino acid substitution p.Met195Val. This variant has been reported in the compound heterozygous state in multiple individuals with hearing loss (Tsukada et al. 2010. PubMed ID: 20497192; Wang et al. 2021. PubMed ID: 33597575; Minami et al. 2013. PubMed ID: 24013081). This variant is reported in 0.022% of alleles in individuals of East Asian descent in gnomAD and is interpreted as likely pathogenic by the ClinGen Hearing Loss Variant Curation Expert Panel. This variant is interpreted as likely pathogenic.

Counsyl
Classification: Likely pathogenic for Autosomal recessive nonsyndromic hearing loss 1A. Last evaluated: 2017-10-06. Review status: no assertion criteria provided. Collection method: clinical testing. Allele origin: unknown. Not counted in ClinVar's aggregate classification.

Literature cited by the submitters: PubMed 26749107 (cited by 5 submitters); PubMed 33597575 (cited by 3 submitters); PubMed 30146550 (cited by 3 submitters); PubMed 20497192 (cited by 4 submitters); PubMed 19125024 (cited by 4 submitters); PubMed 24013081 (cited by 3 submitters); PubMed 31992338 (cited by Women's Health and Genetics/Laboratory Corporation of America, LabCorp); PubMed 31160754 (cited by Victorian Clinical Genetics Services, Murdoch Childrens Research Institute); PubMed 28428247 (cited by Victorian Clinical Genetics Services, Murdoch Childrens Research Institute); PubMed 12792423 (cited by Victorian Clinical Genetics Services, Murdoch Childrens Research Institute); PubMed 20301449 (cited by Victorian Clinical Genetics Services, Murdoch Childrens Research Institute); PubMed 19366456 (cited by 3 submitters); PubMed 21366436 (cited by 3 submitters); PubMed 23555729 (cited by 3 submitters); PubMed 24507663 (cited by 3billion and Counsyl); PubMed 25788563 (cited by Counsyl).